The following is an entry in ClinVar:

NM_020719.3(PRR12):c.245C>G (p.Ala82Gly)

Gene: PRR12 (proline rich 12; plus strand). Cytogenetic location: 19q13.33.
Variant type: single nucleotide variant.
Coding change: c.245C>G on transcript NM_020719.3 (MANE Select); coding-DNA position 245, C replaced by G.
Protein change: p.Ala82Gly; replaces alanine 82 with glycine.
Molecular consequence: missense variant.
Genome position (GRCh38, 1-based): chr19:49,594,499, C>G. VCF-style: chr19-49594499-C-G. GRCh37 (hg19) VCF-style: chr19-50097756-C-G.
Other names: c.245C>G (NM_020719.1); short protein forms A82G.
Identifiers: ClinVar variation 3896274 (VCV003896274.3).

ClinVar aggregate classification (germline): Uncertain significance. Review status: criteria provided, multiple submitters, no conflicts (2 of 4 stars). 2 submissions from 2 submitters: Uncertain significance (2). Last evaluated 2025-08-08.

Conditions:
Inborn genetic diseases. Identifiers: MedGen C0950123, MeSH D030342.

gnomAD v4.1: 17 of 1,613,066 alleles (0.0011%); highest among the groups gnomAD compares: African/African-American, 0.0027%; no homozygotes.

Submissions (2):

Ambry Genetics
Classification: Uncertain significance for Inborn genetic diseases. Last evaluated: 2025-08-08. Review status: criteria provided, single submitter. Criteria: Ambry Variant Classification Scheme 2023. Collection method: clinical testing. Allele origin: germline.

Women's Health and Genetics/Laboratory Corporation of America, LabCorp
Classification: Uncertain significance. Last evaluated: 2025-04-15. Review status: criteria provided, single submitter. Criteria: LabCorp Variant Classification Summary - May 2015. Collection method: clinical testing. Allele origin: germline.
Comment: Variant summary: PRR12 c.245C>G (p.Ala82Gly) results in a non-conservative amino acid change in the encoded protein sequence. Three of five in-silico tools predict a damaging effect of the variant on protein function. The frequency data for this variant in gnomAD is considered unreliable, as metrics indicate poor data quality at this position. To our knowledge, no occurrence of c.245C>G in individuals affected with Neuroocular Syndrome and no experimental evidence demonstrating its impact on protein function have been reported. No submitters have cited clinical-significance assessments for this variant to ClinVar. Based on the evidence outlined above, the variant was classified as uncertain significance.